The following is an entry in ClinVar:

ClinVar aggregate classification (germline): Uncertain significance (1 of 4 stars; one submission).

gnomAD v4.1: 2 of 1,612,806 alleles (0.00012%); highest among the groups gnomAD compares: East Asian, 0.0022%; no homozygotes.

Submission:

Labcorp Genetics (formerly Invitae), Labcorp
Classification: Uncertain significance. Last evaluated: 2024-11-25. Review status: criteria provided, single submitter. Criteria: Invitae Variant Classification Sherloc (09022015). Collection method: clinical testing. Allele origin: germline.
Comment: This sequence change replaces valine, which is neutral and non-polar, with isoleucine, which is neutral and non-polar, at codon 1794 of the FOCAD protein (p.Val1794Ile). This variant is present in population databases (rs748491399, gnomAD 0.006%). This variant has not been reported in the literature in individuals affected with FOCAD-related conditions. An algorithm developed to predict the effect of missense changes on protein structure and function outputs the following: PolyPhen-2: "Not Available". The isoleucine amino acid residue is found in multiple mammalian species, which suggests that this missense change does not adversely affect protein function. In summary, the available evidence is currently insufficient to determine the role of this variant in disease. Therefore, it has been classified as a Variant of Uncertain Significance.

NM_001375567.1(FOCAD):c.5380G>A (p.Val1794Ile)

Gene: FOCAD (focadhesin; plus strand). Cytogenetic location: 9p21.3.
Variant type: single nucleotide variant.
Coding change: c.5380G>A on transcript NM_001375567.1 (MANE Select); coding-DNA position 5380, G replaced by A.
Protein change: p.Val1794Ile; replaces valine 1794 with isoleucine.
Molecular consequence: missense variant.
Genome position (GRCh38, 1-based): chr9:20,995,603, G>A. VCF-style: chr9-20995603-G-A. GRCh37 (hg19) VCF-style: chr9-20995602-G-A.
Other names: c.5275G>A, p.Val1759Ile (NM_001375568.1, NM_001375570.1); c.5380G>A, p.Val1794Ile (NM_017794.5); short protein forms V1759I, V1794I.
Identifiers: ClinVar variation 3620804 (VCV003620804.2).